The following is an entry in ClinVar:

ClinVar aggregate classification (germline): Uncertain significance (1 of 4 stars; one submission).

Submission:

Labcorp Genetics (formerly Invitae), Labcorp
Classification: Uncertain significance. Last evaluated: 2024-03-09. Review status: criteria provided, single submitter. Criteria: Invitae Variant Classification Sherloc (09022015). Collection method: clinical testing. Allele origin: germline.
Comment: This sequence change replaces alanine, which is neutral and non-polar, with valine, which is neutral and non-polar, at codon 1093 of the FAT2 protein (p.Ala1093Val). This variant is present in population databases (rs747806755, gnomAD 0.01%). This variant has not been reported in the literature in individuals affected with FAT2-related conditions. Advanced modeling of protein sequence and biophysical properties (such as structural, functional, and spatial information, amino acid conservation, physicochemical variation, residue mobility, and thermodynamic stability) performed at Invitae indicates that this missense variant is not expected to disrupt FAT2 protein function with a negative predictive value of 80%. In summary, the available evidence is currently insufficient to determine the role of this variant in disease. Therefore, it has been classified as a Variant of Uncertain Significance.

NM_001447.3(FAT2):c.3278C>T (p.Ala1093Val)

Gene: FAT2 (FAT atypical cadherin 2; minus strand). Cytogenetic location: 5q33.1.
Variant type: single nucleotide variant.
Coding change: c.3278C>T on transcript NM_001447.3 (MANE Select); coding-DNA position 3278, C replaced by T.
Protein change: p.Ala1093Val; replaces alanine 1093 with valine.
Molecular consequence: missense variant.
Genome position (GRCh38, 1-based): chr5:151,563,621, G>A on the plus strand (C>T on the coding strand, the complement: FAT2 is on the minus strand). VCF-style: chr5-151563621-G-A. GRCh37 (hg19) VCF-style: chr5-150943182-G-A.
Other names: short protein forms A1093V.
Identifiers: ClinVar variation 3615246 (VCV003615246.2).